The following is an entry in ClinVar:

NM_001378454.1(ALMS1):c.2326C>T (p.Gln776Ter)

Gene: ALMS1 (ALMS1 centrosome and basal body associated protein; plus strand). Cytogenetic location: 2p13.1.
Variant type: single nucleotide variant.
Coding change: c.2326C>T on transcript NM_001378454.1 (MANE Select); coding-DNA position 2326, C replaced by T.
Protein change: p.Gln776Ter; replaces glutamine 776 with a stop codon.
Molecular consequence: nonsense.
Genome position (GRCh38, 1-based): chr2:73,448,853, C>T. VCF-style: chr2-73448853-C-T. GRCh37 (hg19) VCF-style: chr2-73675980-C-T.
Other names: c.2329C>T, p.Gln777Ter (NM_015120.4); short protein forms Q777*, Q776*.
Identifiers: ClinVar variation 801721 (VCV000801721.17), dbSNP rs758195453, ClinGen allele CA1713325.

ClinVar aggregate classification (germline): Pathogenic/Likely pathogenic. Review status: criteria provided, multiple submitters, no conflicts (2 of 4 stars). 9 submissions from 9 submitters: Pathogenic (7); Likely pathogenic (2). Last evaluated 2025-12-16.

Conditions:
ALMS1-related disorder. Also called: ALMS1-related condition.
Cardiovascular phenotype. Identifiers: MedGen CN230736.
Alstrom syndrome (ALMS). Identifiers: Orphanet 64, MedGen C0268425, MONDO:0008763, OMIM 203800.

Allele frequency attached by ClinVar (database versions not stated): gnomAD exomes below 0.00001; TOPMed below 0.00001; ExAC 0.00001; gnomAD 0.00001 and 0.00003.
gnomAD v4.1: 3 of 1,613,850 alleles (0.00019%); highest among the groups gnomAD compares: Non-Finnish European, 0.00025%; no homozygotes.

Submissions (9):

Labcorp Genetics (formerly Invitae), Labcorp
Classification: Pathogenic for Alstrom syndrome. Last evaluated: 2025-12-16. Review status: criteria provided, single submitter. Criteria: Invitae Variant Classification Sherloc (09022015). Collection method: clinical testing. Allele origin: germline.
Comment: This sequence change creates a premature translational stop signal (p.Gln777*) in the ALMS1 gene. It is expected to result in an absent or disrupted protein product. Loss-of-function variants in ALMS1 are known to be pathogenic (PMID: 17594715). This variant is present in population databases (rs758195453, gnomAD 0.002%). This premature translational stop signal has been observed in individual(s) with ALMS1-related conditions (PMID: 30064963). ClinVar contains an entry for this variant (Variation ID: 801721). For these reasons, this variant has been classified as Pathogenic.

OLLIN Analises Genomicas, OLLIN
Classification: Pathogenic for Alstrom syndrome. Last evaluated: 2025-10-24. Review status: criteria provided, single submitter. Criteria: ACMG Guidelines 2015 PMID 25741868. Collection method: clinical testing. Allele origin: germline. Affected: yes. Observed: 3 variant alleles.
Comment: The nonsense variant (chr2:73448853C>T), located in exon 8 (of 23), is reported in ClinVar (VCV000801721.12), in gnomAD v4.1 non-UKB with an allele frequency of 0.00038%, and in the scientific literature in individuals with Alstrom syndrome (PMID: 30064963, 40676683, 28610912). This variant introduces a premature stop codon, resulting in a truncated protein or mRNA degradation via nonsense-mediated decay (NMD). According to currently available evidence, this variant has been classified as pathogenic (PVS1, PS4_P, PM2_P, PM3_S).

Dasa
Classification: Pathogenic. Last evaluated: 2025-04-22. Review status: criteria provided, single submitter. Criteria: DASA Assertion Criteria. Collection method: clinical testing. Allele origin: germline.
Comment: NM_001378454.1(ALMS1):c.2326C>T (p.Gln776*) introduces a premature termination codon predicted to result in loss of normal protein function. Loss-of-function is an established mechanism of disease for this gene. This variant has been observed in affected individuals with related phenotype in a genotype context consistent with recessive disease (PMID: 30064963; PMID: 28610912; PMID: 29718281). This variant has been recurrently observed in individuals with related phenotype (PMID: 30064963; PMID: 28610912; PMID: 29718281). The variant is present at low frequency in population datasets. Based on the available data, this variant is classified as pathogenic.

Ambry Genetics
Classification: Pathogenic for Cardiovascular phenotype. Last evaluated: 2025-03-19. Review status: criteria provided, single submitter. Criteria: Ambry Variant Classification Scheme 2023. Collection method: clinical testing. Allele origin: germline.
Comment: The p.Q777* pathogenic mutation (also known as c.2329C>T), located in coding exon 8 of the ALMS1 gene, results from a C to T substitution at nucleotide position 2329. This changes the amino acid from a glutamine to a stop codon within coding exon 8. This variant has been identified in the homozygous state and/or in conjunction with other ALMS1 variant(s) in individual(s) with features consistent with Alstrom syndrome (Waldman M et al. Mol. Genet. Metab., 2018 09;125:181-191). This variant is considered to be rare based on population cohorts in the Genome Aggregation Database (gnomAD). In addition to the clinical data presented in the literature, this alteration is expected to result in loss of function by premature protein truncation or nonsense-mediated mRNA decay. As such, this alteration is interpreted as a disease-causing mutation.

GeneDx
Classification: Pathogenic. Last evaluated: 2025-01-22. Review status: criteria provided, single submitter. Criteria: GeneDx Variant Classification Process June 2021. Collection method: clinical testing. Allele origin: germline.
Comment: Observed with an additional ALMS1 variant in a patient with features of Alstrom syndrome in published literature, but it is not known whether the variants occurred on the same (in cis) or on different (in trans) chromosomes (PMID: 28610912); Not observed at significant frequency in large population cohorts (gnomAD); Nonsense variant predicted to result in protein truncation or nonsense mediated decay in a gene for which loss of function is a known mechanism of disease; This variant is associated with the following publications: (PMID: 34269512, 30064963, 29718281, 28610912)

Laboratorio de Genetica e Diagnostico Molecular, Hospital Israelita Albert Einstein
Classification: Pathogenic for Alstrom syndrome. Last evaluated: 2022-06-30. Review status: criteria provided, single submitter. Criteria: ACMG Guidelines, 2015. Collection method: clinical testing. Allele origin: germline. Affected: yes. Observed: 1 variant allele.
Comment: ACMG classification criteria: PVS1 very strong, PS4 supporting, PM2 moderated, PM3 moderated

Fulgent Genetics
Classification: Likely pathogenic for Alstrom syndrome. Last evaluated: 2021-07-14. Review status: criteria provided, single submitter. Criteria: ACMG Guidelines, 2015. Collection method: clinical testing. Allele origin: unknown.

Blueprint Genetics
Classification: Likely pathogenic for ALMS1-related disorders. Last evaluated: 2020-06-18. Review status: criteria provided, single submitter. Criteria: ACMG Guidelines, 2015. Collection method: clinical testing. Allele origin: germline. Affected: yes. Observed: 1 variant allele.

Mendelics
Classification: Pathogenic for Alstrom syndrome. Last evaluated: 2019-05-28. Review status: criteria provided, single submitter. Criteria: Mendelics Assertion Criteria 2017. Collection method: clinical testing. Allele origin: unknown.

Literature cited by the submitters: PubMed 17594715 (cited by Labcorp Genetics (formerly Invitae), Labcorp); PubMed 30064963 (cited by 4 submitters); PubMed 40676683 (cited by OLLIN Analises Genomicas, OLLIN); PubMed 28610912 (cited by OLLIN Analises Genomicas, OLLIN and Dasa); PubMed 29718281 (cited by Dasa).